The following is an entry in ClinVar:

NM_001367479.1(DNAH14):c.2115G>A (p.Met705Ile)

Gene: DNAH14 (dynein axonemal heavy chain 14; plus strand). Cytogenetic location: 1q42.12.
Variant type: single nucleotide variant.
Coding change: c.2115G>A on transcript NM_001367479.1 (MANE Select); coding-DNA position 2115, G replaced by A.
Protein change: p.Met705Ile; replaces methionine 705 with isoleucine.
Molecular consequence: missense variant.
Genome position (GRCh38, 1-based): chr1:225,051,486, G>A. VCF-style: chr1-225051486-G-A. GRCh37 (hg19) VCF-style: chr1-225239188-G-A.
Other names: NM_001373.1:c.2115G>A; short protein forms M705I.
Identifiers: ClinVar variation 3365290 (VCV003365290.1).
Genomic context (GRCh38, chr1:225,051,486, plus strand): 5'-AACATCTCAACATTCTTCTTTACAGATTGTGAATCTCCTGACTATTATTGGTAATTCAAT[G>A]GGCCTAGTTAATGCTTACAGCCACAAGTTTATAAAGTATTGTACCATGACAGAAAAGGCC-3'
Protein context (NP_001354408.1, residues 695-715): VNLLTIIGNS[Met705Ile]GLVNAYSHKF

ClinVar aggregate classification (germline): Uncertain significance (1 of 4 stars; one submission).

gnomAD v4.1: 1 of 1,523,820 alleles (0.000066%); highest among the groups gnomAD compares: Non-Finnish European, 0.000088%; no homozygotes.

Submission:

GeneDx
Classification: Uncertain significance. Last evaluated: 2023-12-07. Review status: criteria provided, single submitter. Criteria: GeneDx Variant Classification Process June 2021. Collection method: clinical testing. Allele origin: germline. Affected: yes.
Comment: Has not been previously published as pathogenic or benign to our knowledge; Not observed at significant frequency in large population cohorts (gnomAD); In silico analysis supports that this missense variant does not alter protein structure/function